The following is an entry in ClinVar:

ClinVar aggregate classification (germline): Uncertain significance. Review status: criteria provided, multiple submitters, no conflicts (2 of 4 stars). 2 submissions from 2 submitters: Uncertain significance (2). Last evaluated 2026-09-21.

Conditions:
GATA2-related disorder. Also called: GATA2-related condition; GATA2-Related Disorders.
Monocytopenia with susceptibility to infections. Also called: IMMUNODEFICIENCY 21; GATA2 DEFICIENCY; MONOCYTOPENIA AND MYCOBACTERIAL INFECTION SYNDROME; MONOCYTOPENIA WITH SUSCEPTIBILITY TO MYCOBACTERIAL, FUNGAL, AND PAPILLOMAVIRUS INFECTIONS AND MYELODYSPLASIA; COMBINED IMMUNODEFICIENCY WITH SUSCEPTIBILITY TO MYCOBACTERIAL, VIRAL, AND FUNGAL INFECTIONS; Dendritic cell, monocyte, B lymphocyte, and natural killer lymphocyte deficiency. Identifiers: Orphanet 228423, MedGen C3280030, MONDO:0013607, OMIM 614172.
Deafness-lymphedema-leukemia syndrome. Also called: Emberger syndrome; Lymphedema, primary, with myelodysplasia. Identifiers: Orphanet 3226, MedGen C3279664, MONDO:0013540, OMIM 614038.

gnomAD v4.1: 4 of 1,610,902 alleles (0.00025%); highest among the groups gnomAD compares: Non-Finnish European, 0.00034%; no homozygotes.

Submissions (2):

PreventionGenetics, part of Exact Sciences
Classification: Uncertain significance for GATA2-related condition. Last evaluated: 2026-09-21. Review status: criteria provided, single submitter. Criteria: ACMG Guidelines, 2015. Collection method: clinical testing. Allele origin: germline.
Comment: The GATA2 c.59A>C variant is predicted to result in the amino acid substitution p.Gln20Pro. To our knowledge, this variant has not been reported in the literature or in a large population database (gnomAD), indicating this variant is rare. This variant is interpreted as uncertain in ClinVar (Variation ID: 574973). At this time, the clinical significance of this variant is uncertain due to the absence of conclusive functional and genetic evidence.

Labcorp Genetics (formerly Invitae), Labcorp
Classification: Uncertain significance for Monocytopenia with susceptibility to infections; Deafness-lymphedema-leukemia syndrome. Last evaluated: 2024-04-22. Review status: criteria provided, single submitter. Criteria: Invitae Variant Classification Sherloc (09022015). Collection method: clinical testing. Allele origin: germline.
Comment: This sequence change replaces glutamine, which is neutral and polar, with proline, which is neutral and non-polar, at codon 20 of the GATA2 protein (p.Gln20Pro). This variant is not present in population databases (gnomAD no frequency). This variant has not been reported in the literature in individuals affected with GATA2-related conditions. ClinVar contains an entry for this variant (Variation ID: 574973). Advanced modeling of protein sequence and biophysical properties (such as structural, functional, and spatial information, amino acid conservation, physicochemical variation, residue mobility, and thermodynamic stability) has been performed at Invitae for this missense variant, however the output from this modeling did not meet the statistical confidence thresholds required to predict the impact of this variant on GATA2 protein function. In summary, the available evidence is currently insufficient to determine the role of this variant in disease. Therefore, it has been classified as a Variant of Uncertain Significance.

NM_032638.5(GATA2):c.59A>C (p.Gln20Pro)

Gene: GATA2 (GATA binding protein 2; minus strand). Cytogenetic location: 3q21.3.
Variant type: single nucleotide variant.
Coding change: c.59A>C on transcript NM_032638.5 (MANE Select); coding-DNA position 59, A replaced by C.
Protein change: p.Gln20Pro; replaces glutamine 20 with proline.
Molecular consequence: missense variant.
Genome position (GRCh38, 1-based): chr3:128,486,973, T>G on the plus strand (A>C on the coding strand, the complement: GATA2 is on the minus strand). VCF-style: chr3-128486973-T-G. GRCh37 (hg19) VCF-style: chr3-128205816-T-G.
Other names: c.59A>C, p.Gln20Pro (NM_001145661.2, NM_001145662.1); short protein forms Q20P.
Identifiers: ClinVar variation 574973 (VCV000574973.9), dbSNP rs1303947441, ClinGen allele CA354409117.